The following is an entry in ClinVar:

ClinVar aggregate classification (germline): Likely benign (0 of 4 stars; one submission).

Conditions:
COL4A2-related disorder. Also called: COL4A2-related disorders; COL4A2-related condition.

Submission:

PreventionGenetics, part of Exact Sciences
Classification: Likely benign for COL4A2-related condition. Last evaluated: 2020-12-20. Review status: no assertion criteria provided. Collection method: clinical testing. Allele origin: germline.
Comment: This variant is classified as likely benign based on ACMG/AMP sequence variant interpretation guidelines (Richards et al. 2015 PMID: 25741868, with internal and published modifications).

NM_001846.4(COL4A2):c.4403-24_4419del

Genes: COL4A2 (collagen type IV alpha 2 chain; plus strand), COL4A2-AS1 (COL4A2 antisense RNA 1; minus strand). Cytogenetic location: 13q34.
Variant type: Microsatellite.
Coding change: c.4403-24_4419del on transcript NM_001846.4 (MANE Select); 24 bases into the intron before coding-DNA position 4403 through coding-DNA position 4419, 41 bases deleted.
Molecular consequence: splice acceptor variant.
Genome position (GRCh38, 1-based): chr13:110,506,391-110,506,431, 41 bases deleted; deleting any 41 consecutive bases within chr13:110,506,331-110,506,431 gives the same sequence; the c. name uses the placement nearest the transcript's 3' end. GRCh37 (hg19), VCF-style position (the base before the change): chr13:111,158,677.
Identifiers: ClinVar variation 3055770 (VCV003055770.2), dbSNP rs746214514, ClinGen allele CA256311226.
Genomic context (GRCh38, chr13:110,506,330, plus strand): 5'-CTCTCTCTCTCGGGCTGCAGGTGCACCAGGCCGTCCACTCTCTCTCTCTCTCTCAGGCTG[TAGGTGCACCAGGCCGTCCACTCTCTCTCTTTCTCGGGCTGC>T]AGGTGCACCAGGCCGTCCACTCTCTCTCTTTCTCGGGCTGCAGGTGCACCAGGCCGTCCA-3'